The following is an entry in ClinVar:

NM_004168.4(SDHA):c.1741G>T (p.Gly581Ter)

Gene: SDHA (succinate dehydrogenase complex flavoprotein subunit A; plus strand). Cytogenetic location: 5p15.33.
Variant type: single nucleotide variant.
Coding change: c.1741G>T on transcript NM_004168.4 (MANE Select); coding-DNA position 1741, G replaced by T.
Protein change: p.Gly581Ter; replaces glycine 581 with a stop codon.
Molecular consequence: nonsense. On other transcripts: intron variant (1).
Genome position (GRCh38, 1-based): chr5:251,415, G>T. VCF-style: chr5-251415-G-T. GRCh37 (hg19) VCF-style: chr5-251530-G-T.
Other names: c.1597G>T, p.Gly533Ter (NM_001294332.2); c.1552-2978G>T (NM_001330758.2); short protein forms G581*, G533*.
Identifiers: ClinVar variation 2016955 (VCV002016955.4), dbSNP rs771111180, ClinGen allele CA359000217.
Genomic context (GRCh38, chr5:251,415, plus strand): 5'-GACCTGGTGGAGACCCTGGAGCTGCAGAACCTGATGCTGTGTGCGCTGCAGACCATCTAC[G>T]GAGCAGAGGCACGGAAGGAGTCACGGGGCGCGCATGCCAGGGAAGACTACAAGGTGGGCC-3'

ClinVar aggregate classification (germline): Pathogenic (1 of 4 stars; one submission).

Conditions:
Pheochromocytoma/paraganglioma syndrome 5. Also called: Paragangliomas 5; SDHA-Related Hereditary Paraganglioma-Pheochromocytoma Syndrome. Identifiers: Orphanet 29072, MedGen C3279992, MONDO:0013602, OMIM 614165.
Mitochondrial complex II deficiency, nuclear type 1. Also called: SUCCINATE CoQ REDUCTASE DEFICIENCY. Identifiers: Orphanet 3208, MedGen C5700310, MONDO:0100294, OMIM 252011.

Submission:

Labcorp Genetics (formerly Invitae), Labcorp
Classification: Pathogenic for Pheochromocytoma/paraganglioma syndrome 5; Mitochondrial complex II deficiency, nuclear type 1. Last evaluated: 2022-11-08. Review status: criteria provided, single submitter. Criteria: Invitae Variant Classification Sherloc (09022015). Collection method: clinical testing. Allele origin: germline.
Comment: This variant has not been reported in the literature in individuals affected with SDHA-related conditions. This variant is not present in population databases (gnomAD no frequency). This sequence change creates a premature translational stop signal (p.Gly581*) in the SDHA gene. It is expected to result in an absent or disrupted protein product. Loss-of-function variants in SDHA are known to be pathogenic (PMID: 22974104, 24781757). For these reasons, this variant has been classified as Pathogenic.

Literature cited by the submitters: PubMed 22974104; PubMed 24781757.